The following is an entry in ClinVar:

NM_001365276.2(TNXB):c.5758G>A (p.Gly1920Arg)

Gene: TNXB (tenascin XB; minus strand). Cytogenetic location: 6p21.33.
Variant type: single nucleotide variant.
Coding change: c.5758G>A on transcript NM_001365276.2 (MANE Select); coding-DNA position 5758, G replaced by A.
Protein change: p.Gly1920Arg; replaces glycine 1920 with arginine.
Molecular consequence: missense variant.
Genome position (GRCh38, 1-based): chr6:32,068,966, C>T on the plus strand (G>A on the coding strand, the complement: TNXB is on the minus strand). VCF-style: chr6-32068966-C-T. GRCh37 (hg19) VCF-style: chr6-32036743-C-T.
Other names: c.5758G>A, p.Gly1920Arg (NM_019105.8); short protein forms G1920R.
Identifiers: ClinVar variation 1749456 (VCV001749456.4), dbSNP rs776795346, ClinGen allele CA3734612.

ClinVar aggregate classification (germline): Uncertain significance. Review status: criteria provided, multiple submitters, no conflicts (2 of 4 stars). 2 submissions from 2 submitters: Uncertain significance (2). Last evaluated 2024-12-30.

Conditions:
Cardiovascular phenotype. Identifiers: MedGen CN230736.

Allele frequency attached by ClinVar (database versions not stated): ExAC 0.00001; gnomAD 0.00001; gnomAD exomes 0.00001.
gnomAD v4.1: 7 of 1,612,776 alleles (0.00043%); highest among the groups gnomAD compares: East Asian, 0.0022%; no homozygotes.

Submissions (2):

GeneDx
Classification: Uncertain significance. Last evaluated: 2024-12-30. Review status: criteria provided, single submitter. Criteria: GeneDx Variant Classification Process June 2021. Collection method: clinical testing. Allele origin: germline.
Comment: Not observed at significant frequency in large population cohorts (gnomAD); In silico analysis supports that this missense variant has a deleterious effect on protein structure/function; Has not been previously published as pathogenic or benign to our knowledge

Ambry Genetics
Classification: Uncertain significance for Cardiovascular phenotype. Last evaluated: 2021-08-19. Review status: criteria provided, single submitter. Criteria: Ambry Variant Classification Scheme 2023. Collection method: clinical testing. Allele origin: germline.
Comment: The p.G1920R variant (also known as c.5758G>A), located in coding exon 15 of the TNXB gene, results from a G to A substitution at nucleotide position 5758. The glycine at codon 1920 is replaced by arginine, an amino acid with dissimilar properties. This amino acid position is conserved. In addition, this alteration is predicted to be tolerated by in silico analysis. Since supporting evidence is limited at this time, the clinical significance of this alteration remains unclear.